The following is an entry in ClinVar:

NM_001134407.3(GRIN2A):c.364G>T (p.Val122Phe)

Gene: GRIN2A (glutamate ionotropic receptor NMDA type subunit 2A; minus strand). Cytogenetic location: 16p13.2.
Variant type: single nucleotide variant.
Coding change: c.364G>T on transcript NM_001134407.3 (MANE Select); coding-DNA position 364, G replaced by T.
Protein change: p.Val122Phe; replaces valine 122 with phenylalanine.
Molecular consequence: missense variant.
Genome position (GRCh38, 1-based): chr16:10,180,048, C>A on the plus strand (G>T on the coding strand, the complement: GRIN2A is on the minus strand). VCF-style: chr16-10180048-C-A. GRCh37 (hg19) VCF-style: chr16-10273905-C-A.
Other names: c.364G>T, p.Val122Phe (NM_000833.5, NM_001134408.2); short protein forms V122F.
Identifiers: ClinVar variation 560644 (VCV000560644.3), dbSNP rs376125239, ClinGen allele CA277615500.

ClinVar aggregate classification (germline): Uncertain significance. Review status: criteria provided, multiple submitters, no conflicts (2 of 4 stars). 2 submissions from 2 submitters: Uncertain significance (2). Last evaluated 2024-04-25.

Conditions:
Landau-Kleffner syndrome (FESD). Also called: EPILEPSY, FOCAL, WITH SPEECH DISORDER AND WITH OR WITHOUT MENTAL RETARDATION; APHASIA, ACQUIRED, WITH EPILEPSY. Identifiers: Orphanet 1945, Orphanet 725, Orphanet 98818, MedGen C0282512, MONDO:0009509, OMIM 245570.
Pyridoxine-dependent epilepsy (EPEO4). Also called: Pyridoxine-Dependent Epilepsy - ALDH7A1; EPILEPSY, EARLY-ONSET, 4, VITAMIN B6-DEPENDENT; PYRIDOXINE DEPENDENCY WITH SEIZURES; Pyridoxine-Dependent Seizures. Identifiers: Orphanet 3006, MedGen C1849508, MONDO:0009945, OMIM 266100. Disease mechanism: loss of function.

Allele frequency attached by ClinVar (database versions not stated): gnomAD exomes below 0.00001; TOPMed 0.00001.
gnomAD v4.1: 3 of 1,614,040 alleles (0.00019%); highest among the groups gnomAD compares: Non-Finnish European, 0.00025%; no homozygotes.

Submissions (2):

Labcorp Genetics (formerly Invitae), Labcorp
Classification: Uncertain significance for Landau-Kleffner syndrome. Last evaluated: 2024-04-25. Review status: criteria provided, single submitter. Criteria: Invitae Variant Classification Sherloc (09022015). Collection method: clinical testing. Allele origin: germline.
Comment: This sequence change replaces valine, which is neutral and non-polar, with phenylalanine, which is neutral and non-polar, at codon 122 of the GRIN2A protein (p.Val122Phe). This variant is not present in population databases (gnomAD no frequency). This variant has not been reported in the literature in individuals affected with GRIN2A-related conditions. ClinVar contains an entry for this variant (Variation ID: 560644). Advanced modeling of protein sequence and biophysical properties (such as structural, functional, and spatial information, amino acid conservation, physicochemical variation, residue mobility, and thermodynamic stability) performed at Invitae indicates that this missense variant is expected to disrupt GRIN2A protein function with a positive predictive value of 95%. In summary, the available evidence is currently insufficient to determine the role of this variant in disease. Therefore, it has been classified as a Variant of Uncertain Significance.

Clinical Molecular Genetics Laboratory, Johns Hopkins All Children's Hospital
Classification: Uncertain significance for Pyridoxine-dependent epilepsy. Last evaluated: 2017-05-19. Review status: criteria provided, single submitter. Criteria: ACMG Guidelines, 2015. Collection method: clinical testing. Allele origin: germline. Affected: yes.